The following is an entry in ClinVar:

ClinVar aggregate classification (germline): Uncertain significance (1 of 4 stars; one submission).

Allele frequency attached by ClinVar (database versions not stated): gnomAD exomes 0.00001 and 0.00003; TOPMed 0.00002; gnomAD 0.00007 and 0.00008.
gnomAD v4.1: 15 of 1,579,960 alleles (0.00095%); highest among the groups gnomAD compares: Admixed American, 0.028%; no homozygotes.

Submission:

Labcorp Genetics (formerly Invitae), Labcorp
Classification: Uncertain significance. Last evaluated: 2022-11-08. Review status: criteria provided, single submitter. Criteria: Invitae Variant Classification Sherloc (09022015). Collection method: clinical testing. Allele origin: germline.
Comment: This sequence change replaces alanine, which is neutral and non-polar, with threonine, which is neutral and polar, at codon 619 of the KIAA1549 protein (p.Ala619Thr). This variant is present in population databases (no rsID available, gnomAD 0.02%). This variant has not been reported in the literature in individuals affected with KIAA1549-related conditions. ClinVar contains an entry for this variant (Variation ID: 1057396). Algorithms developed to predict the effect of missense changes on protein structure and function output the following: SIFT: "Tolerated"; PolyPhen-2: "Benign"; Align-GVGD: "Class C0". The threonine amino acid residue is found in multiple mammalian species, which suggests that this missense change does not adversely affect protein function. In summary, the available evidence is currently insufficient to determine the role of this variant in disease. Therefore, it has been classified as a Variant of Uncertain Significance.

NM_001164665.2(KIAA1549):c.1855G>A (p.Ala619Thr)

Gene: KIAA1549 (KIAA1549; minus strand). Cytogenetic location: 7q34.
Variant type: single nucleotide variant.
Coding change: c.1855G>A on transcript NM_001164665.2 (MANE Select); coding-DNA position 1855, G replaced by A.
Protein change: p.Ala619Thr; replaces alanine 619 with threonine.
Molecular consequence: missense variant.
Genome position (GRCh38, 1-based): chr7:138,917,771, C>T on the plus strand (G>A on the coding strand, the complement: KIAA1549 is on the minus strand). VCF-style: chr7-138917771-C-T. GRCh37 (hg19) VCF-style: chr7-138602517-C-T.
Other names: c.1855G>A, p.Ala619Thr (NM_020910.3); short protein forms A619T.
Identifiers: ClinVar variation 1057396 (VCV001057396.10), dbSNP rs1391910709, ClinGen allele CA369396459.